The following is an entry in ClinVar:

ClinVar aggregate classification (germline): Uncertain significance (1 of 4 stars; one submission).

Conditions:
Bethlem myopathy 1A. Also called: MYOPATHY, BENIGN CONGENITAL, WITH CONTRACTURES; Bethlem myopathy 1; Bethlem Muscular Dystrophy. Identifiers: Orphanet 610, MedGen CN029274, MONDO:0024530, OMIM 158810.

Allele frequency attached by ClinVar (database versions not stated): gnomAD exomes 0.00001; ExAC 0.00006.
gnomAD v4.1: 10 of 1,570,170 alleles (0.00064%); highest among the groups gnomAD compares: South Asian, 0.01%; no homozygotes.

Submission:

Labcorp Genetics (formerly Invitae), Labcorp
Classification: Uncertain significance for Bethlem myopathy 1A. Last evaluated: 2023-03-18. Review status: criteria provided, single submitter. Criteria: Invitae Variant Classification Sherloc (09022015). Collection method: clinical testing. Allele origin: germline.
Comment: This variant has not been reported in the literature in individuals affected with COL6A2-related conditions. In summary, the available evidence is currently insufficient to determine the role of this variant in disease. Therefore, it has been classified as a Variant of Uncertain Significance. Advanced modeling of protein sequence and biophysical properties (such as structural, functional, and spatial information, amino acid conservation, physicochemical variation, residue mobility, and thermodynamic stability) performed at Invitae indicates that this missense variant is expected to disrupt COL6A2 protein function. This variant is present in population databases (rs755111785, gnomAD 0.008%). This sequence change replaces phenylalanine, which is neutral and non-polar, with tyrosine, which is neutral and polar, at codon 892 of the COL6A2 protein (p.Phe892Tyr).

NM_001849.4(COL6A2):c.2675T>A (p.Phe892Tyr)

Gene: COL6A2 (collagen type VI alpha 2 chain; plus strand). Cytogenetic location: 21q22.3.
Variant type: single nucleotide variant.
Coding change: c.2675T>A on transcript NM_001849.4 (MANE Select); coding-DNA position 2675, T replaced by A.
Protein change: p.Phe892Tyr; replaces phenylalanine 892 with tyrosine.
Molecular consequence: missense variant.
Genome position (GRCh38, 1-based): chr21:46,132,167, T>A. VCF-style: chr21-46132167-T-A. GRCh37 (hg19) VCF-style: chr21-47552081-T-A.
Other names: short protein forms F892Y.
Identifiers: ClinVar variation 2987837 (VCV002987837.3), dbSNP rs755111785, ClinGen allele CA10072974.
Genomic context (GRCh38, chr21:46,132,167, plus strand): 5'-CTCTCAACGCACGCGTGGCGCTGCTGCAGTTTGGTGGCCCCGGCGAGCAGCAGGTGGCCT[T>A]CCCGCTGAGCCACAACCTCACGGCCATCCACGAGGCGCTGGAGACCACACAATACCTGAA-3'
Protein context (NP_001840.3, residues 882-902): FGGPGEQQVA[Phe892Tyr]PLSHNLTAIH